The following is an entry in ClinVar:

NM_057175.5(NAA15):c.333A>T (p.Lys111Asn)

Gene: NAA15 (N-alpha-acetyltransferase 15, NatA auxiliary subunit; plus strand). Cytogenetic location: 4q31.1.
Variant type: single nucleotide variant.
Coding change: c.333A>T on transcript NM_057175.5 (MANE Select); coding-DNA position 333, A replaced by T.
Protein change: p.Lys111Asn; replaces lysine 111 with asparagine.
Molecular consequence: missense variant.
Genome position (GRCh38, 1-based): chr4:139,341,000, A>T. VCF-style: chr4-139341000-A-T. GRCh37 (hg19) VCF-style: chr4-140262154-A-T.
Other names: c.333A>T, p.Lys111Asn (NM_001410842.1); short protein forms K111N.
Identifiers: ClinVar variation 5008675 (VCV005008675.1).

ClinVar aggregate classification (germline): Uncertain significance (1 of 4 stars; one submission).

Submission:

GeneDx
Classification: Uncertain significance. Last evaluated: 2026-03-06. Review status: criteria provided, single submitter. Criteria: GeneDx Variant Classification Process June 2021. Collection method: clinical testing. Allele origin: germline.
Comment: Not observed at significant frequency in large population cohorts (gnomAD); In silico analysis supports that this missense variant has a deleterious effect on protein structure/function; Has not been previously published as pathogenic or benign to our knowledge